The following is an entry in ClinVar:

ClinVar aggregate classification (germline): Pathogenic (1 of 4 stars; one submission).

Conditions:
Tumor predisposition syndrome 3 (TPDS3). Also called: Melanoma, cutaneous malignant, susceptibility to, 10; LONG TELOMERE SYNDROME, POT1-RELATED; POT1 Tumor Predisposition; Glioma susceptibility 9. Identifiers: Orphanet 618, MedGen C4014476, MONDO:0014368, OMIM 615848.

Submission:

Labcorp Genetics (formerly Invitae), Labcorp
Classification: Pathogenic for Tumor predisposition syndrome 3. Last evaluated: 2025-08-31. Review status: criteria provided, single submitter. Criteria: Invitae Variant Classification Sherloc (09022015). Collection method: clinical testing. Allele origin: germline.
Comment: This sequence change creates a premature translational stop signal (p.Leu460Glnfs*2) in the POT1 gene. It is expected to result in an absent or disrupted protein product. Loss-of-function variants in POT1 are known to be pathogenic (PMID: 32155570). This variant is not present in population databases (gnomAD no frequency). This variant has not been reported in the literature in individuals affected with POT1-related conditions. ClinVar contains an entry for this variant (Variation ID: 1457879). For these reasons, this variant has been classified as Pathogenic.

Literature cited by the submitters: PubMed 32155570.

NM_015450.3(POT1):c.1379_1380del (p.Leu460fs)

Gene: POT1 (protection of telomeres 1; minus strand). Cytogenetic location: 7q31.33.
Variant type: Deletion.
Coding change: c.1379_1380del on transcript NM_015450.3 (MANE Select); coding-DNA positions 1379 to 1380, 2 bases deleted (TC; older notation c.1379_1380delTC).
Protein change: p.Leu460fs; shifts the reading frame from leucine 460.
Molecular consequence: frameshift variant. On other transcripts: non-coding transcript variant (3).
Genome position (GRCh38, 1-based): chr7:124,835,404-124,835,405, GA deleted on the plus strand (TC on the coding strand, the reverse complement: POT1 is on the minus strand); deleting any 2 consecutive bases within chr7:124,835,404-124,835,406 gives the same sequence; the c. name uses the placement nearest the transcript's 3' end. VCF-style (leftmost placement, unchanged base first): chr7-124835403-TGA-T. GRCh37 (hg19) VCF-style: chr7-124475457-TGA-T.
Other names: c.986_987del, p.Leu329fs (NM_001042594.2); short protein forms L329fs, L460fs.
Identifiers: ClinVar variation 1457879 (VCV001457879.6), dbSNP rs2116444583, ClinGen allele CA2573141669.
Genomic context (GRCh38, chr7:124,835,403, plus strand): 5'-CGTGGCCAGATCTCACAGGAATTACACTATTAAACTTGTTCGAGAGTTTGCAAATTTCAC[TGA>T]GTGTACCTCCTGTTAAGAGAATAAATAAATCCTTCAAGTAGTGCAAATAAAATGTAGACA-3'